The following is an entry in ClinVar:

NM_031935.3(HMCN1):c.14469G>T (p.Trp4823Cys)

Gene: HMCN1 (hemicentin 1; plus strand). Cytogenetic location: 1q31.1.
Variant type: single nucleotide variant.
Coding change: c.14469G>T on transcript NM_031935.3 (MANE Select); coding-DNA position 14469, G replaced by T.
Protein change: p.Trp4823Cys; replaces tryptophan 4823 with cysteine.
Molecular consequence: missense variant.
Genome position (GRCh38, 1-based): chr1:186,145,784, G>T. VCF-style: chr1-186145784-G-T. GRCh37 (hg19) VCF-style: chr1-186114916-G-T.
Other names: short protein forms W4823C.
Identifiers: ClinVar variation 3699685 (VCV003699685.2).

ClinVar aggregate classification (germline): Uncertain significance (1 of 4 stars; one submission).

gnomAD v4.1: 2 of 1,614,128 alleles (0.00012%); highest among the groups gnomAD compares: Non-Finnish European, 0.00017%; no homozygotes.

Submission:

Labcorp Genetics (formerly Invitae), Labcorp
Classification: Uncertain significance. Last evaluated: 2024-02-22. Review status: criteria provided, single submitter. Criteria: Invitae Variant Classification Sherloc (09022015). Collection method: clinical testing. Allele origin: germline.
Comment: This sequence change replaces tryptophan, which is neutral and slightly polar, with cysteine, which is neutral and slightly polar, at codon 4823 of the HMCN1 protein (p.Trp4823Cys). This variant is not present in population databases (gnomAD no frequency). This variant has not been reported in the literature in individuals affected with HMCN1-related conditions. An algorithm developed to predict the effect of missense changes on protein structure and function (PolyPhen-2) suggests that this variant is likely to be disruptive. In summary, the available evidence is currently insufficient to determine the role of this variant in disease. Therefore, it has been classified as a Variant of Uncertain Significance.